The following is an entry in ClinVar:

NM_001128178.3(NPHP1):c.1091G>A (p.Ser364Asn)

Genes: NPHP1 (nephrocystin 1; minus strand), LOC126806306 (P300/CBP strongly-dependent group 1 enhancer GRCh37_chr2:110906815-110908014; plus strand). Cytogenetic location: 2q13.
Variant type: single nucleotide variant.
Coding change: c.1091G>A on transcript NM_001128178.3 (MANE Select); coding-DNA position 1091, G replaced by A.
Protein change: p.Ser364Asn; replaces serine 364 with asparagine.
Molecular consequence: missense variant.
Genome position (GRCh38, 1-based): chr2:110,150,249, C>T on the plus strand (G>A on the coding strand, the complement: NPHP1 is on the minus strand). VCF-style: chr2-110150249-C-T. GRCh37 (hg19) VCF-style: chr2-110907826-C-T.
Other names: c.1259G>A, p.Ser420Asn (NM_000272.5); c.902G>A, p.Ser301Asn (NM_001128179.3); c.1088G>A, p.Ser363Asn (NM_001374256.1); c.1091G>A, p.Ser364Asn (NM_001374257.1); c.1256G>A, p.Ser419Asn (NM_207181.4); c.1259G>A (NM_000272.4); short protein forms S301N, S364N, S419N, S420N, S363N.
Identifiers: ClinVar variation 1511549 (VCV001511549.4), dbSNP rs1681364664, ClinGen allele CA348088183.

ClinVar aggregate classification (germline): Uncertain significance. Review status: criteria provided, multiple submitters, no conflicts (2 of 4 stars). 2 submissions from 2 submitters: Uncertain significance (2). Last evaluated 2024-01-13.

Conditions:
Nephronophthisis 1 (NPHP1). Also called: Nephronophthisis familial juvenile. Identifiers: Orphanet 655, Orphanet 93592, MedGen C1855681, MONDO:0009728, OMIM 256100.
Senior-Loken syndrome 1 (SLSN1). Also called: JUVENILE NEPHRONOPHTHISIS WITH LEBER AMAUROSIS. Identifiers: Orphanet 3156, MedGen C4551559, MONDO:0009962, OMIM 266900.
Joubert syndrome with renal defect. Also called: JOUBERT SYNDROME 4. Identifiers: Orphanet 220497, MedGen C1846790, MONDO:0012308, OMIM 609583.
Nephronophthisis. Also called: Juvenile Nephronophthisis. Identifiers: Orphanet 655, MedGen C0687120, MONDO:0019005, HP:0000090.

Allele frequency attached by ClinVar (database versions not stated): gnomAD exomes below 0.00001; TOPMed 0.00001.
gnomAD v4.1: 1 of 1,613,814 alleles (0.000062%); highest among the groups gnomAD compares: Non-Finnish European, 0.000085%; no homozygotes.

Submissions (2):

Fulgent Genetics
Classification: Uncertain significance for Nephronophthisis 1; Senior-Loken syndrome 1; Joubert syndrome with renal defect. Last evaluated: 2024-01-13. Review status: criteria provided, single submitter. Criteria: ACMG Guidelines, 2015. Collection method: clinical testing. Allele origin: germline.

Labcorp Genetics (formerly Invitae), Labcorp
Classification: Uncertain significance for Nephronophthisis. Last evaluated: 2021-11-05. Review status: criteria provided, single submitter. Criteria: Invitae Variant Classification Sherloc (09022015). Collection method: clinical testing. Allele origin: germline.
Comment: This sequence change replaces serine, which is neutral and polar, with asparagine, which is neutral and polar, at codon 420 of the NPHP1 protein (p.Ser420Asn). This variant is not present in population databases (gnomAD no frequency). This variant has not been reported in the literature in individuals affected with NPHP1-related conditions. Algorithms developed to predict the effect of missense changes on protein structure and function (SIFT, PolyPhen-2, Align-GVGD) all suggest that this variant is likely to be disruptive. In summary, the available evidence is currently insufficient to determine the role of this variant in disease. Therefore, it has been classified as a Variant of Uncertain Significance.